The following is an entry in ClinVar:

NM_015021.3(ZNF292):c.6268G>C (p.Glu2090Gln)

Gene: ZNF292 (zinc finger protein 292; plus strand). Cytogenetic location: 6q14.3.
Variant type: single nucleotide variant.
Coding change: c.6268G>C on transcript NM_015021.3 (MANE Select); coding-DNA position 6268, G replaced by C.
Protein change: p.Glu2090Gln; replaces glutamic acid 2090 with glutamine.
Molecular consequence: missense variant.
Genome position (GRCh38, 1-based): chr6:87,259,897, G>C. VCF-style: chr6-87259897-G-C. GRCh37 (hg19) VCF-style: chr6-87969615-G-C.
Other names: c.5848G>C, p.Glu1950Gln (NM_001351444.2); short protein forms E1950Q, E2090Q.
Identifiers: ClinVar variation 3765877 (VCV003765877.1).

ClinVar aggregate classification (germline): Uncertain significance (1 of 4 stars; one submission).

Submission:

Greenwood Genetic Center Diagnostic Laboratories, Greenwood Genetic Center
Classification: Uncertain significance. Last evaluated: 2024-07-30. Review status: criteria provided, single submitter. Criteria: ACMG Guidelines, 2015. Collection method: clinical testing. Allele origin: germline. Affected: yes.
Comment: PM2, BP4